The following is an entry in ClinVar:

NM_147127.5(EVC2):c.1606G>T (p.Glu536Ter)

Gene: EVC2 (EvC ciliary complex subunit 2; minus strand). Cytogenetic location: 4p16.2.
Variant type: single nucleotide variant.
Coding change: c.1606G>T on transcript NM_147127.5 (MANE Select); coding-DNA position 1606, G replaced by T.
Protein change: p.Glu536Ter; replaces glutamic acid 536 with a stop codon.
Molecular consequence: nonsense.
Genome position (GRCh38, 1-based): chr4:5,631,897, C>A on the plus strand (G>T on the coding strand, the complement: EVC2 is on the minus strand). VCF-style: chr4-5631897-C-A. GRCh37 (hg19) VCF-style: chr4-5633624-C-A.
Other names: c.1366G>T, p.Glu456Ter (NM_001166136.2); short protein forms E536*, E456*.
Identifiers: ClinVar variation 848665 (VCV000848665.6), dbSNP rs1284395468, ClinGen allele CA356148890.

ClinVar aggregate classification (germline): Pathogenic (1 of 4 stars; one submission).

Conditions:
Ellis-van Creveld syndrome (EVC). Also called: MESOECTODERMAL DYSPLASIA; EVC-Related Ellis-van Creveld Syndrome; EVC2-Related Ellis-van Creveld Syndrome; Chondroectodermal dysplasia. Identifiers: Orphanet 289, MedGen C0013903, MONDO:0009162, OMIM 225500.
Curry-Hall syndrome (WAD). Also called: WEYERS ACRODENTAL DYSOSTOSIS. Identifiers: Orphanet 952, MedGen C0457013, MONDO:0008673, OMIM 193530.

gnomAD v4.1: 8 of 1,614,204 alleles (0.0005%); highest among the groups gnomAD compares: Non-Finnish European, 0.00068%; no homozygotes.

Submission:

Labcorp Genetics (formerly Invitae), Labcorp
Classification: Pathogenic for Curry-Hall syndrome; Ellis-van Creveld syndrome. Last evaluated: 2023-09-23. Review status: criteria provided, single submitter. Criteria: Invitae Variant Classification Sherloc (09022015). Collection method: clinical testing. Allele origin: germline.
Comment: This variant is not present in population databases (gnomAD no frequency). This sequence change creates a premature translational stop signal (p.Glu536*) in the EVC2 gene. It is expected to result in an absent or disrupted protein product. Loss-of-function variants in EVC2 are known to be pathogenic (PMID: 17024374, 19810119, 19876929). This variant has not been reported in the literature in individuals affected with EVC2-related conditions. ClinVar contains an entry for this variant (Variation ID: 848665). For these reasons, this variant has been classified as Pathogenic.

Literature cited by the submitters: PubMed 17024374; PubMed 19810119; PubMed 19876929.